The following is an entry in ClinVar:

ClinVar aggregate classification (germline): Uncertain significance (1 of 4 stars; one submission).

Conditions:
Retinoblastoma (RB1). Also called: RETINOBLASTOMA, SOMATIC. Identifiers: Orphanet 790, MedGen C0035335, MeSH D012175, MONDO:0008380, OMIM 180200, HP:0009919. Disease mechanism: loss of function. Inheritance: Both sporadic and heritable forms are tested..

gnomAD v4.1: 4 of 1,406,142 alleles (0.00028%); highest among the groups gnomAD compares: African/African-American, 0.0045%; no homozygotes.

Submission:

Labcorp Genetics (formerly Invitae), Labcorp
Classification: Uncertain significance for Retinoblastoma. Last evaluated: 2025-05-06. Review status: criteria provided, single submitter. Criteria: Invitae Variant Classification Sherloc (09022015). Collection method: clinical testing. Allele origin: germline.
Comment: This variant occurs in a non-coding region of the RB1 gene. It does not change the encoded amino acid sequence of the RB1 protein. This variant is not present in population databases (gnomAD no frequency). This variant has not been reported in the literature in individuals affected with RB1-related conditions. ClinVar contains an entry for this variant (Variation ID: 3714148). In summary, the available evidence is currently insufficient to determine the role of this variant in disease. Therefore, it has been classified as a Variant of Uncertain Significance.

NM_000321.3(RB1):c.-117T>C

Gene: RB1 (RB transcriptional corepressor 1; plus strand). Cytogenetic location: 13q14.2.
Variant type: single nucleotide variant.
Coding change: c.-117T>C on transcript NM_000321.3 (MANE Select); 117 bases upstream of the start codon, T replaced by C.
Molecular consequence: 5 prime UTR variant.
Genome position (GRCh38, 1-based): chr13:48,303,796, T>C. VCF-style: chr13-48303796-T-C. GRCh37 (hg19) VCF-style: chr13-48877932-T-C.
Other names: c.-117T>C (NM_001407165.1, NM_001407166.1, NM_001407167.1).
Identifiers: ClinVar variation 3714148 (VCV003714148.2).